The following is an entry in ClinVar:

NM_001166114.2(PNPLA6):c.2538G>C (p.Thr846=)

Gene: PNPLA6 (patatin like domain 6, lysophospholipase; plus strand). Cytogenetic location: 19p13.2.
Variant type: single nucleotide variant.
Coding change: c.2538G>C on transcript NM_001166114.2 (MANE Select); coding-DNA position 2538, G replaced by C.
Protein change: p.Thr846=; no amino-acid change (threonine 846 retained).
Molecular consequence: synonymous variant.
Genome position (GRCh38, 1-based): chr19:7,554,627, G>C. VCF-style: chr19-7554627-G-C. GRCh37 (hg19) VCF-style: chr19-7619513-G-C.
Other names: c.2568G>C, p.Thr856= (NM_001166111.2); c.2343G>C, p.Thr781= (NM_001166112.2); c.2424G>C, p.Thr808= (NM_001166113.1, NM_006702.5).
Identifiers: ClinVar variation 3345137 (VCV003345137.1).

ClinVar aggregate classification (germline): Likely benign (0 of 4 stars; one submission).

Conditions:
PNPLA6-related disorder. Also called: PNPLA6-related condition; PNPLA6-related disorders.

gnomAD v4.1: 3 of 1,614,036 alleles (0.00019%); highest among the groups gnomAD compares: Non-Finnish European, 0.00025%; no homozygotes.

Submission:

PreventionGenetics, part of Exact Sciences
Classification: Likely benign for PNPLA6-related condition. Last evaluated: 2024-07-03. Review status: no assertion criteria provided. Collection method: clinical testing. Allele origin: germline.
Comment: This variant is classified as likely benign based on ACMG/AMP sequence variant interpretation guidelines (Richards et al. 2015 PMID: 25741868, with internal and published modifications).